The following is an entry in ClinVar:

ClinVar aggregate classification (germline): Uncertain significance. Review status: criteria provided, multiple submitters, no conflicts (2 of 4 stars). 4 submissions from 4 submitters: Uncertain significance (4). Last evaluated 2025-10-21.

Conditions:
Combined immunodeficiency due to LRBA deficiency. Also called: Common variable immunodeficiency 8, with autoimmunity. Identifiers: Orphanet 445018, MedGen C3553512, MONDO:0013863, OMIM 614700.
Inborn genetic diseases. Identifiers: MedGen C0950123, MeSH D030342.

Allele frequency attached by ClinVar (database versions not stated): TOPMed 0.00023; ESP Exome Variant Server 0.00038.
gnomAD v4.1: 594 of 1,613,632 alleles (0.037%); highest among the groups gnomAD compares: Non-Finnish European, 0.048%; no homozygotes.

Submissions (4):

Mayo Clinic Laboratories, Mayo Clinic
Classification: Uncertain significance. Last evaluated: 2025-10-21. Review status: criteria provided, single submitter. Criteria: ACMG Guidelines, 2015. Collection method: clinical testing. Allele origin: germline. Observed: 2 variant alleles.

Blueprint Genetics
Classification: Uncertain significance. Last evaluated: 2024-05-03. Review status: criteria provided, single submitter. Criteria: ACMG Guidelines, 2015. Collection method: clinical testing. Allele origin: germline.

Labcorp Genetics (formerly Invitae), Labcorp
Classification: Uncertain significance for Combined immunodeficiency due to LRBA deficiency. Last evaluated: 2023-12-11. Review status: criteria provided, single submitter. Criteria: Invitae Variant Classification Sherloc (09022015). Collection method: clinical testing. Allele origin: germline.
Comment: This sequence change replaces glutamine, which is neutral and polar, with histidine, which is basic and polar, at codon 2295 of the LRBA protein (p.Gln2295His). This variant is present in population databases (rs140538555, gnomAD 0.02%). This variant has not been reported in the literature in individuals affected with LRBA-related conditions. ClinVar contains an entry for this variant (Variation ID: 567991). Advanced modeling of protein sequence and biophysical properties (such as structural, functional, and spatial information, amino acid conservation, physicochemical variation, residue mobility, and thermodynamic stability) performed at Invitae indicates that this missense variant is not expected to disrupt LRBA protein function with a negative predictive value of 80%. In summary, the available evidence is currently insufficient to determine the role of this variant in disease. Therefore, it has been classified as a Variant of Uncertain Significance.

Ambry Genetics
Classification: Uncertain significance for Inborn genetic diseases. Last evaluated: 2021-08-12. Review status: criteria provided, single submitter. Criteria: Ambry Variant Classification Scheme 2023. Collection method: clinical testing. Allele origin: germline.

NM_001364905.1(LRBA):c.6852A>C (p.Gln2284His)

Gene: LRBA (LPS responsive beige-like anchor protein; minus strand). Cytogenetic location: 4q31.3.
Variant type: single nucleotide variant.
Coding change: c.6852A>C on transcript NM_001364905.1 (MANE Select); coding-DNA position 6852, A replaced by C.
Protein change: p.Gln2284His; replaces glutamine 2284 with histidine.
Molecular consequence: missense variant.
Genome position (GRCh38, 1-based): chr4:150,436,793, T>G on the plus strand (A>C on the coding strand, the complement: LRBA is on the minus strand). VCF-style: chr4-150436793-T-G. GRCh37 (hg19) VCF-style: chr4-151357945-T-G.
Other names: p.Gln2295His; c.6852A>C, p.Gln2284His (NM_001199282.3, NM_001367550.1); c.6885A>C, p.Gln2295His (NM_006726.5); short protein forms Q2284H, Q2295H.
Identifiers: ClinVar variation 567991 (VCV000567991.9), dbSNP rs140538555, ClinGen allele CA3101795.
Genomic context (GRCh38, chr4:150,436,793, plus strand): 5'-CAGCCATGCAAGAACAAAACTTGCAGTTGAGTAATGAGTACCATAGTGAAACTTTGGAAC[T>G]TGATCATCTTCCCATGATTCATAACGCTCAGCGAAGAATGCTGCTCTTTTTGGGTTCAGA-3'
Protein context (NP_001351834.1, residues 2274-2294): AERYESWEDD[Gln2284His]VPKFHYGTHY